The following is an entry in ClinVar:

ClinVar aggregate classification (germline): Pathogenic (1 of 4 stars; one submission).

Conditions:
Polycystic kidney disease, adult type (PKD1). Also called: Polycystic Kidney Disease 1, Autosomal Dominant; Polycystic kidney disease 1; Polycystic kidney disease 1, severe; POLYCYSTIC KIDNEY DISEASE 1 WITH OR WITHOUT POLYCYSTIC LIVER DISEASE; POLYCYSTIC KIDNEY DISEASE, ADULT, TYPE I; Polycystic Kidney, Autosomal Dominant. Identifiers: MedGen C3149841, MONDO:0008263, OMIM 173900.

Submission:

Women's Health and Genetics/Laboratory Corporation of America, LabCorp
Classification: Pathogenic for Polycystic kidney disease, adult type. Last evaluated: 2026-02-02. Review status: criteria provided, single submitter. Criteria: LabCorp Variant Classification Summary - May 2015. Collection method: clinical testing. Allele origin: germline.
Comment: Variant summary: PKD1 c.9331_9334delTTCT (p.Phe3111ValfsX204) results in a premature termination codon, predicted to cause absence of the protein due to nonsense mediated decay, which is a commonly known mechanism for disease. The variant was absent in 228594 control chromosomes (gnomAD). To our knowledge, no occurrence of c.9331_9334delTTCT in individuals affected with PKD1-related conditions and no experimental evidence demonstrating its impact on protein function have been reported. No submitters have cited clinical-significance assessments for this variant to ClinVar. Based on the evidence outlined above, the variant was classified as pathogenic.

NM_001009944.3(PKD1):c.9331_9334del (p.Phe3111fs)

Gene: PKD1 (polycystin 1, transient receptor potential channel interacting; minus strand). Cytogenetic location: 16p13.3.
Variant type: Deletion.
Coding change: c.9331_9334del on transcript NM_001009944.3 (MANE Select); coding-DNA positions 9331 to 9334, 4 bases deleted (TTCT; older notation c.9331_9334delTTCT).
Protein change: p.Phe3111fs; shifts the reading frame from phenylalanine 3111.
Molecular consequence: frameshift variant.
Genome position (GRCh38, 1-based): chr16:2,102,124-2,102,127, AGAA deleted on the plus strand (TTCT on the coding strand, the reverse complement: PKD1 is on the minus strand); deleting any 4 consecutive bases within chr16:2,102,124-2,102,129 gives the same sequence; the c. name uses the placement nearest the transcript's 3' end. VCF-style (leftmost placement, unchanged base first): chr16-2102123-CAGAA-C. GRCh37 (hg19) VCF-style: chr16-2152124-CAGAA-C.
Other names: c.9331_9334delTTCT (NM_001009944.3); c.9331_9334del, p.Phe3111fs (NM_000296.4); short protein forms F3111fs.
Identifiers: ClinVar variation 4848119 (VCV004848119.1).